The following is an entry in ClinVar:

ClinVar aggregate classification (germline): Likely benign. Review status: criteria provided, multiple submitters, no conflicts (2 of 4 stars). 3 submissions from 3 submitters: Likely benign (3). Last evaluated 2020-08-10.

Conditions:
Hereditary cancer-predisposing syndrome. Also called: Tumor predisposition; Hereditary neoplastic syndrome; Neoplastic Syndromes, Hereditary; Hereditary Cancer Syndrome. Identifiers: Orphanet 140162, MedGen C0027672, MeSH D009386, MONDO:0015356.
Neuroblastoma, susceptibility to, 3. Also called: ALK-Related Neuroblastic Tumor Susceptibility. Identifiers: Orphanet 635, MedGen C2751681, MONDO:0013083, OMIM 613014.

Allele frequency attached by ClinVar (database versions not stated): gnomAD below 0.00001 and 0.00001; gnomAD exomes 0.00001 and 0.00002; ExAC 0.00004.
gnomAD v4.1: 8 of 1,612,110 alleles (0.0005%); highest among the groups gnomAD compares: South Asian, 0.0089%; 1 homozygote.

Submissions (3):

Ambry Genetics
Classification: Likely benign for Hereditary cancer-predisposing syndrome. Last evaluated: 2020-08-10. Review status: criteria provided, single submitter. Criteria: Ambry Variant Classification Scheme 2023. Collection method: clinical testing. Allele origin: germline.

Labcorp Genetics (formerly Invitae), Labcorp
Classification: Likely benign for Neuroblastoma, susceptibility to, 3. Last evaluated: 2020-06-26. Review status: criteria provided, single submitter. Criteria: Invitae Variant Classification Sherloc (09022015). Collection method: clinical testing. Allele origin: germline.

Women's Health and Genetics/Laboratory Corporation of America, LabCorp
Classification: Likely benign. Last evaluated: 2019-05-14. Review status: criteria provided, single submitter. Criteria: LabCorp Variant Classification Summary - May 2015. Collection method: clinical testing. Allele origin: germline.
Comment: Variant summary: ALK c.3091C>T alters a conserved nucleotide resulting in a synonymous change. 5/5 computational tools predict no significant impact on normal splicing. However, these predictions have yet to be confirmed by functional studies. The variant allele was found at a frequency of 1.6e-05 in 245232 control chromosomes in the gnomAD database, including 1 homozygotes. To our knowledge, no occurrence of c.3091C>T in individuals affected with Neuroblastoma, Susceptibility Type 3 and no experimental evidence demonstrating its impact on protein function have been reported. No clinical diagnostic laboratories have submitted clinical-significance assessments for this variant to ClinVar after 2014. Based on the evidence outlined above, the variant was classified as likely benign.

NM_004304.5(ALK):c.3091C>T (p.Leu1031=)

Gene: ALK (ALK receptor tyrosine kinase; minus strand). Cytogenetic location: 2p23.2.
Variant type: single nucleotide variant.
Coding change: c.3091C>T on transcript NM_004304.5 (MANE Select); coding-DNA position 3091, C replaced by T.
Protein change: p.Leu1031=; no amino-acid change (leucine 1031 retained).
Molecular consequence: synonymous variant.
Genome position (GRCh38, 1-based): chr2:29,225,542, G>A on the plus strand (C>T on the coding strand, the complement: ALK is on the minus strand). VCF-style: chr2-29225542-G-A. GRCh37 (hg19) VCF-style: chr2-29448408-G-A.
Identifiers: ClinVar variation 929022 (VCV000929022.12), dbSNP rs755537480, ClinGen allele CA1594078.